The following is an entry in ClinVar:

ClinVar aggregate classification (germline): Uncertain significance. Review status: criteria provided, multiple submitters, no conflicts (2 of 4 stars). 2 submissions from 2 submitters: Uncertain significance (2). Last evaluated 2024-10-07.

Allele frequency attached by ClinVar (database versions not stated): TOPMed 0.00002.

Submissions (2):

Labcorp Genetics (formerly Invitae), Labcorp
Classification: Uncertain significance. Last evaluated: 2024-10-07. Review status: criteria provided, single submitter. Criteria: Invitae Variant Classification Sherloc (09022015). Collection method: clinical testing. Allele origin: germline.
Comment: This sequence change replaces serine, which is neutral and polar, with leucine, which is neutral and non-polar, at codon 41 of the GATA5 protein (p.Ser41Leu). This variant is not present in population databases (gnomAD no frequency). This variant has not been reported in the literature in individuals affected with GATA5-related conditions. ClinVar contains an entry for this variant (Variation ID: 1700744). An algorithm developed to predict the effect of missense changes on protein structure and function (PolyPhen-2) suggests that this variant is likely to be disruptive. In summary, the available evidence is currently insufficient to determine the role of this variant in disease. Therefore, it has been classified as a Variant of Uncertain Significance.

GeneDx
Classification: Uncertain significance. Last evaluated: 2022-02-11. Review status: criteria provided, single submitter. Criteria: GeneDx Variant Classification Process June 2021. Collection method: clinical testing. Allele origin: germline. Affected: yes.
Comment: Has not been previously published as pathogenic or benign to our knowledge; Not observed at significant frequency in large population cohorts (gnomAD); In silico analysis supports that this missense variant does not alter protein structure/function

NM_080473.5(GATA5):c.122C>T (p.Ser41Leu)

Gene: GATA5 (GATA binding protein 5; minus strand). Cytogenetic location: 20q13.33.
Variant type: single nucleotide variant.
Coding change: c.122C>T on transcript NM_080473.5 (MANE Select); coding-DNA position 122, C replaced by T.
Protein change: p.Ser41Leu; replaces serine 41 with leucine.
Molecular consequence: missense variant.
Genome position (GRCh38, 1-based): chr20:62,475,400, G>A on the plus strand (C>T on the coding strand, the complement: GATA5 is on the minus strand). VCF-style: chr20-62475400-G-A. GRCh37 (hg19) VCF-style: chr20-61050456-G-A.
Other names: short protein forms S41L.
Identifiers: ClinVar variation 1700744 (VCV001700744.5), dbSNP rs1270199168, ClinGen allele CA409557777.